The following is an entry in ClinVar:

NM_001289808.2(CRYAB):c.269A>G (p.Lys90Arg)

Gene: CRYAB (crystallin alpha B; minus strand). Cytogenetic location: 11q23.1.
Variant type: single nucleotide variant.
Coding change: c.269A>G on transcript NM_001289808.2 (MANE Select); coding-DNA position 269, A replaced by G.
Protein change: p.Lys90Arg; replaces lysine 90 with arginine.
Molecular consequence: missense variant.
Genome position (GRCh38, 1-based): chr11:111,910,382, T>C on the plus strand (A>G on the coding strand, the complement: CRYAB is on the minus strand). VCF-style: chr11-111910382-T-C. GRCh37 (hg19) VCF-style: chr11-111781106-T-C.
Other names: c.269A>G, p.Lys90Arg (NM_001289807.1, NM_001368245.1, NM_001885.3); c.68A>G, p.Lys23Arg (NM_001330379.1, NM_001368246.1); short protein forms K90R, K23R.
Identifiers: ClinVar variation 2912143 (VCV002912143.2), dbSNP rs201474470, ClinGen allele CA6275531.
Genomic context (GRCh38, chr11:111,910,382, plus strand): 5'-CATACCTGGCGCTCTTCATGTTTTCCATGCACCTCAATCACATCTCCCAACACCTTAACT[T>C]TGAGTTCCTCTGGGGAGAAGTGCTTCACATCCAGGTTGACAGAGAACCTGTCCTTCTCCA-3'
Protein context (NP_001276737.1, residues 80-100): DVKHFSPEEL[Lys90Arg]VKVLGDVIEV

ClinVar aggregate classification (germline): Uncertain significance (1 of 4 stars; one submission).

Conditions:
Dilated cardiomyopathy 1II (CMD1II). Identifiers: Orphanet 154, MedGen C3554649, MONDO:0014073, OMIM 615184.

Allele frequency attached by ClinVar (database versions not stated): TOPMed below 0.00001; ExAC 0.00001; gnomAD 0.00001; 1000 Genomes Project 30x 0.00016; 1000 Genomes Project 0.00020.
gnomAD v4.1: 2 of 1,614,222 alleles (0.00012%); highest among the groups gnomAD compares: East Asian, 0.0045%; no homozygotes.

Submission:

Labcorp Genetics (formerly Invitae), Labcorp
Classification: Uncertain significance for Dilated cardiomyopathy 1II. Last evaluated: 2023-09-01. Review status: criteria provided, single submitter. Criteria: Invitae Variant Classification Sherloc (09022015). Collection method: clinical testing. Allele origin: germline.
Comment: In summary, the available evidence is currently insufficient to determine the role of this variant in disease. Therefore, it has been classified as a Variant of Uncertain Significance. An algorithm developed to predict the effect of missense changes on protein structure and function (PolyPhen-2) suggests that this variant¬¨‚Ä†is likely to be tolerated. This variant has not been reported in the literature in individuals affected with CRYAB-related conditions. This variant is present in population databases (rs201474470, gnomAD 0.01%). This sequence change replaces lysine, which is basic and polar, with arginine, which is basic and polar, at codon 90 of the CRYAB protein (p.Lys90Arg).